The following is an entry in ClinVar:

NM_005461.5(MAFB):c.885G>A (p.Lys295=)

Gene: MAFB (MAF bZIP transcription factor B; minus strand). Cytogenetic location: 20q12.
Variant type: single nucleotide variant.
Coding change: c.885G>A on transcript NM_005461.5 (MANE Select); coding-DNA position 885, G replaced by A.
Protein change: p.Lys295=; no amino-acid change (lysine 295 retained).
Molecular consequence: synonymous variant.
Genome position (GRCh38, 1-based): chr20:40,687,966, C>T on the plus strand (G>A on the coding strand, the complement: MAFB is on the minus strand). VCF-style: chr20-40687966-C-T. GRCh37 (hg19) VCF-style: chr20-39316606-C-T.
Identifiers: ClinVar variation 4797392 (VCV004797392.1).

ClinVar aggregate classification (germline): Uncertain significance (1 of 4 stars; one submission).

Submission:

Labcorp Genetics (formerly Invitae), Labcorp
Classification: Uncertain significance. Last evaluated: 2025-12-25. Review status: criteria provided, single submitter. Criteria: Invitae Variant Classification Sherloc (09022015). Collection method: clinical testing. Allele origin: germline.
Comment: This sequence change affects codon 295 of the MAFB mRNA. It is a 'silent' change, meaning that it does not change the encoded amino acid sequence of the MAFB protein. This variant is present in population databases (rs6093378, gnomAD 0.003%). This variant has not been reported in the literature in individuals affected with MAFB-related conditions. In summary, the available evidence is currently insufficient to determine the role of this variant in disease. Therefore, it has been classified as a Variant of Uncertain Significance.